The following is an entry in ClinVar:

ClinVar aggregate classification (germline): Uncertain significance (1 of 4 stars; one submission).

Conditions:
Immunodeficiency 31B. Also called: STAT1 DEFICIENCY, AUTOSOMAL RECESSIVE; IMMUNODEFICIENCY 31B, MYCOBACTERIAL AND VIRAL INFECTIONS, AUTOSOMAL RECESSIVE. Identifiers: Orphanet 391311, MedGen C3151088, MONDO:0013427, OMIM 613796.
Mendelian susceptibility to mycobacterial diseases due to partial STAT1 deficiency. Also called: IMMUNODEFICIENCY 31A, MYCOBACTERIOSIS, AUTOSOMAL DOMINANT; STAT1 DEFICIENCY, AUTOSOMAL DOMINANT; Immunodeficiency 31a. Identifiers: Orphanet 319595, MedGen C4013950, MONDO:0013956, OMIM 614892.
Autoimmune enteropathy and endocrinopathy - susceptibility to chronic infections syndrome. Also called: Immunodeficiency 31C; Immunodeficiency 31C, autosomal dominant. Identifiers: Orphanet 391487, MedGen C3279990, MONDO:0013599, OMIM 614162.

Submission:

Labcorp Genetics (formerly Invitae), Labcorp
Classification: Uncertain significance for Mendelian susceptibility to mycobacterial diseases due to partial STAT1 deficiency; Immunodeficiency 31B; Autoimmune enteropathy and endocrinopathy - susceptibility to chronic infections syndrome. Last evaluated: 2022-11-01. Review status: criteria provided, single submitter. Criteria: Invitae Variant Classification Sherloc (09022015). Collection method: clinical testing. Allele origin: germline.
Comment: This variant, c.496_504del, results in the deletion of 3 amino acid(s) of the STAT1 protein (p.Leu166_Asp168del), but otherwise preserves the integrity of the reading frame. This variant is not present in population databases (gnomAD no frequency). This variant has not been reported in the literature in individuals affected with STAT1-related conditions. ClinVar contains an entry for this variant (Variation ID: 1433279). Experimental studies and prediction algorithms are not available or were not evaluated, and the functional significance of this variant is currently unknown. In summary, the available evidence is currently insufficient to determine the role of this variant in disease. Therefore, it has been classified as a Variant of Uncertain Significance.

NM_007315.4(STAT1):c.496_504del (p.Leu166_Asp168del)

Gene: STAT1 (signal transducer and activator of transcription 1; minus strand). Cytogenetic location: 2q32.2.
Variant type: Deletion.
Coding change: c.496_504del on transcript NM_007315.4 (MANE Select); coding-DNA positions 496 to 504, 9 bases deleted (TTACAAGAT; older notation c.496_504delTTACAAGAT).
Protein change: p.Leu166_Asp168del.
Molecular consequence: inframe deletion.
Genome position (GRCh38, 1-based): chr2:190,999,663-190,999,671, ATCTTGTAA deleted on the plus strand (TTACAAGAT on the coding strand, the reverse complement: STAT1 is on the minus strand); deleting any 9 consecutive bases within chr2:190,999,663-190,999,676 gives the same sequence; the c. name uses the placement nearest the transcript's 3' end. VCF-style (leftmost placement, unchanged base first): chr2-190999662-CATCTTGTAA-C. GRCh37 (hg19) VCF-style: chr2-191864388-CATCTTGTAA-C.
Other names: c.496_504del, p.Leu166_Asp168del (NM_001384880.1, NM_001384882.1, NM_001384885.1 and 5 more transcripts); c.502_510del, p.Leu168_Asp170del (NM_001384881.1, NM_001384884.1); c.489_497del, p.Ile163_Lys165del (NM_001384883.1); c.406_414del, p.Leu136_Asp138del (NM_001384890.1); c.532_540del, p.Leu178_Asp180del (NM_001384891.1).
Identifiers: ClinVar variation 1433279 (VCV001433279.6), dbSNP rs2125075085, ClinGen allele CA2573134274.